The following is an entry in ClinVar:

NM_004260.4(RECQL4):c.344G>T (p.Gly115Val)

Gene: RECQL4 (RecQ like helicase 4; minus strand). Cytogenetic location: 8q24.3.
Variant type: single nucleotide variant.
Coding change: c.344G>T on transcript NM_004260.4 (MANE Select); coding-DNA position 344, G replaced by T.
Protein change: p.Gly115Val; replaces glycine 115 with valine.
Molecular consequence: missense variant.
Genome position (GRCh38, 1-based): chr8:144,517,060, C>A on the plus strand (G>T on the coding strand, the complement: RECQL4 is on the minus strand). VCF-style: chr8-144517060-C-A. GRCh37 (hg19) VCF-style: chr8-145742444-C-A.
Other names: short protein forms G115V.
Identifiers: ClinVar variation 843276 (VCV000843276.7), dbSNP rs1715996382, ClinGen allele CA372691904.
Genomic context (GRCh38, chr8:144,517,060, plus strand): 5'-CGGAAGCAGCTGTGGACCTAGCGTGGACTCACTGCCTGCCCACTCCTCACCTGCAGGGTG[C>A]CTTTCAGATTGGCCTTGAGCCGCTGCCCGTAGTCCGGCACCGAGCCCTGGCGGCTCCGCC-3'
Protein context (NP_004251.4, residues 105-125): YGQRLKANLK[Gly115Val]TLQAGPALGR

ClinVar aggregate classification (germline): Uncertain significance. Review status: criteria provided, multiple submitters, no conflicts (2 of 4 stars). 2 submissions from 2 submitters: Uncertain significance (2). Last evaluated 2025-03-01.

Conditions:
Inborn genetic diseases. Identifiers: MedGen C0950123, MeSH D030342.
Baller-Gerold syndrome (BGS). Also called: CRANIOSYNOSTOSIS WITH RADIAL DEFECTS. Identifiers: Orphanet 1225, MedGen C0265308, MONDO:0009039, OMIM 218600.

Allele frequency attached by ClinVar (database versions not stated): gnomAD 0.00001; TOPMed 0.00001.
gnomAD v4.1: 1 of 1,610,624 alleles (0.000062%); highest among the groups gnomAD compares: African/African-American, 0.0013%; no homozygotes.

Submissions (2):

Ambry Genetics
Classification: Uncertain significance for Inborn genetic diseases. Last evaluated: 2025-03-01. Review status: criteria provided, single submitter. Criteria: Ambry Variant Classification Scheme 2023. Collection method: clinical testing. Allele origin: germline.
Comment: The p.G115V variant (also known as c.344G>T), located in coding exon 4 of the RECQL4 gene, results from a G to T substitution at nucleotide position 344. The glycine at codon 115 is replaced by valine, an amino acid with dissimilar properties. This amino acid position is conserved. In addition, this alteration is predicted to be tolerated by in silico analysis. Based on the available evidence, the clinical significance of this variant remains unclear.

Labcorp Genetics (formerly Invitae), Labcorp
Classification: Uncertain significance for Baller-Gerold syndrome. Last evaluated: 2022-10-23. Review status: criteria provided, single submitter. Criteria: Invitae Variant Classification Sherloc (09022015). Collection method: clinical testing. Allele origin: germline.
Comment: This sequence change replaces glycine, which is neutral and non-polar, with valine, which is neutral and non-polar, at codon 115 of the RECQL4 protein (p.Gly115Val). This variant is not present in population databases (gnomAD no frequency). This variant has not been reported in the literature in individuals affected with RECQL4-related conditions. ClinVar contains an entry for this variant (Variation ID: 843276). Advanced modeling of protein sequence and biophysical properties (such as structural, functional, and spatial information, amino acid conservation, physicochemical variation, residue mobility, and thermodynamic stability) performed at Invitae indicates that this missense variant is not expected to disrupt RECQL4 protein function. In summary, the available evidence is currently insufficient to determine the role of this variant in disease. Therefore, it has been classified as a Variant of Uncertain Significance.